The following is an entry in ClinVar:

ClinVar aggregate classification (germline): Uncertain significance. Review status: criteria provided, multiple submitters, no conflicts (2 of 4 stars). 2 submissions from 2 submitters: Uncertain significance (2). Last evaluated 2025-06-30.

Conditions:
STING-associated vasculopathy with onset in infancy. Also called: Sting-associated vasculopathy, infantile-onset. Identifiers: Orphanet 425120, MedGen C4014722, MONDO:0014405, OMIM 615934.
Inborn genetic diseases. Identifiers: MedGen C0950123, MeSH D030342.

Allele frequency attached by ClinVar (database versions not stated): ExAC 0.00001; TOPMed 0.00002; gnomAD exomes 0.00001; gnomAD 0.00003.
gnomAD v4.1: 8 of 1,614,108 alleles (0.0005%); highest among the groups gnomAD compares: Admixed American, 0.0067%; no homozygotes.

Submissions (2):

Ambry Genetics
Classification: Uncertain significance for Inborn genetic diseases. Last evaluated: 2025-06-30. Review status: criteria provided, single submitter. Criteria: Ambry Variant Classification Scheme 2023. Collection method: clinical testing. Allele origin: germline.

Labcorp Genetics (formerly Invitae), Labcorp
Classification: Uncertain significance for STING-associated vasculopathy with onset in infancy. Last evaluated: 2025-02-17. Review status: criteria provided, single submitter. Criteria: Invitae Variant Classification Sherloc (09022015). Collection method: clinical testing. Allele origin: germline.
Comment: This sequence change replaces glutamic acid, which is acidic and polar, with lysine, which is basic and polar, at codon 286 of the TMEM173 protein (p.Glu286Lys). This variant is present in population databases (rs778582118, gnomAD 0.0009%). This variant has not been reported in the literature in individuals affected with TMEM173-related conditions. ClinVar contains an entry for this variant (Variation ID: 2779186). Invitae Evidence Modeling of protein sequence and biophysical properties (such as structural, functional, and spatial information, amino acid conservation, physicochemical variation, residue mobility, and thermodynamic stability) indicates that this missense variant is expected to disrupt TMEM173 protein function with a positive predictive value of 80%. In summary, the available evidence is currently insufficient to determine the role of this variant in disease. Therefore, it has been classified as a Variant of Uncertain Significance.

NM_198282.4(STING1):c.856G>A (p.Glu286Lys)

Gene: STING1 (stimulator of interferon response cGAMP interactor 1; minus strand). Cytogenetic location: 5q31.2.
Variant type: single nucleotide variant.
Coding change: c.856G>A on transcript NM_198282.4 (MANE Select); coding-DNA position 856, G replaced by A.
Protein change: p.Glu286Lys; replaces glutamic acid 286 with lysine.
Molecular consequence: missense variant. On other transcripts: intron variant (1).
Genome position (GRCh38, 1-based): chr5:139,477,419, C>T on the plus strand (G>A on the coding strand, the complement: STING1 is on the minus strand). VCF-style: chr5-139477419-C-T. GRCh37 (hg19) VCF-style: chr5-138857004-C-T.
Other names: c.499G>A, p.Glu167Lys (NM_001367258.1); c.759+851G>A (NM_001301738.2); c.856G>A (NM_198282.2); short protein forms E167K, E286K.
Identifiers: ClinVar variation 2779186 (VCV002779186.4), dbSNP rs778582118, ClinGen allele CA3435298.